The following is an entry in ClinVar:

ClinVar aggregate classification (germline): Uncertain significance (1 of 4 stars; one submission).

Conditions:
Van der Woude syndrome 2 (VWS2). Identifiers: Orphanet 888, MedGen C1847604, MONDO:0011712, OMIM 606713.

Allele frequency attached by ClinVar (database versions not stated): gnomAD exomes below 0.00001; gnomAD 0.00001.
gnomAD v4.1: 7 of 1,614,084 alleles (0.00043%); highest among the groups gnomAD compares: African/African-American, 0.0013%; no homozygotes.

Submission:

Labcorp Genetics (formerly Invitae), Labcorp
Classification: Uncertain significance for Van der Woude syndrome 2. Last evaluated: 2022-03-20. Review status: criteria provided, single submitter. Criteria: Invitae Variant Classification Sherloc (09022015). Collection method: clinical testing. Allele origin: germline.
Comment: This variant has not been reported in the literature in individuals affected with GRHL3-related conditions. Algorithms developed to predict the effect of missense changes on protein structure and function (SIFT, PolyPhen-2, Align-GVGD) all suggest that this variant is likely to be tolerated. In summary, the available evidence is currently insufficient to determine the role of this variant in disease. Therefore, it has been classified as a Variant of Uncertain Significance. This sequence change replaces methionine, which is neutral and non-polar, with threonine, which is neutral and polar, at codon 408 of the GRHL3 protein (p.Met408Thr). This variant is present in population databases (no rsID available, gnomAD 0.0009%).

NM_198173.3(GRHL3):c.1223T>C (p.Met408Thr)

Gene: GRHL3 (grainyhead like transcription factor 3; plus strand). Cytogenetic location: 1p36.11.
Variant type: single nucleotide variant.
Coding change: c.1223T>C on transcript NM_198173.3 (MANE Select); coding-DNA position 1223, T replaced by C.
Protein change: p.Met408Thr; replaces methionine 408 with threonine.
Molecular consequence: missense variant.
Genome position (GRCh38, 1-based): chr1:24,342,710, T>C. VCF-style: chr1-24342710-T-C. GRCh37 (hg19) VCF-style: chr1-24669200-T-C.
Other names: c.1085T>C, p.Met362Thr (NM_001195010.2); c.1238T>C, p.Met413Thr (NM_021180.4); c.1223T>C, p.Met408Thr (NM_198174.3); short protein forms M413T, M362T, M408T.
Identifiers: ClinVar variation 2151352 (VCV002151352.4), dbSNP rs1486197604, ClinGen allele CA339047992.